The following is an entry in ClinVar:

NM_000271.5(NPC1):c.668C>G (p.Ala223Gly)

Gene: NPC1 (NPC intracellular cholesterol transporter 1; minus strand). Cytogenetic location: 18q11.2.
Variant type: single nucleotide variant.
Coding change: c.668C>G on transcript NM_000271.5 (MANE Select); coding-DNA position 668, C replaced by G.
Protein change: p.Ala223Gly; replaces alanine 223 with glycine.
Molecular consequence: missense variant.
Genome position (GRCh38, 1-based): chr18:23,560,444, G>C on the plus strand (C>G on the coding strand, the complement: NPC1 is on the minus strand). VCF-style: chr18-23560444-G-C. GRCh37 (hg19) VCF-style: chr18-21140408-G-C.
Other names: c.668C>G (NM_000271.4); short protein forms A223G.
Identifiers: ClinVar variation 1387857 (VCV001387857.9), dbSNP rs2145480831, ClinGen allele CA401781383.

ClinVar aggregate classification (germline): Uncertain significance. Review status: criteria provided, single submitter (1 of 4 stars). 2 submissions from 2 submitters: Uncertain significance (1). 1 of the submissions does not count toward it. Last evaluated 2025-02-24.

Conditions:
Niemann-Pick disease, type C1. Also called: NEUROVISCERAL STORAGE DISEASE WITH VERTICAL SUPRANUCLEAR OPHTHALMOPLEGIA; NIEMANN-PICK DISEASE WITH CHOLESTEROL ESTERIFICATION BLOCK; NIEMANN-PICK DISEASE WITHOUT SPHINGOMYELINASE DEFICIENCY; NIEMANN-PICK DISEASE, CHRONIC NEURONOPATHIC FORM; NIEMANN-PICK DISEASE, VARIANT TYPE C1. Identifiers: Orphanet 646, MedGen C3179455, MONDO:0009757, OMIM 257220.

Allele frequency attached by ClinVar (database versions not stated): gnomAD exomes below 0.00001.
gnomAD v4.1: 2 of 1,614,148 alleles (0.00012%); highest among the groups gnomAD compares: Non-Finnish European, 0.00017%; no homozygotes.

Submissions (2):

Labcorp Genetics (formerly Invitae), Labcorp
Classification: Uncertain significance for Niemann-Pick disease, type C1. Last evaluated: 2025-02-24. Review status: criteria provided, single submitter. Criteria: Invitae Variant Classification Sherloc (09022015). Collection method: clinical testing. Allele origin: germline.
Comment: This sequence change replaces alanine, which is neutral and non-polar, with glycine, which is neutral and non-polar, at codon 223 of the NPC1 protein (p.Ala223Gly). This variant is not present in population databases (gnomAD no frequency). This variant has not been reported in the literature in individuals affected with NPC1-related conditions. ClinVar contains an entry for this variant (Variation ID: 1387857). Invitae Evidence Modeling of protein sequence and biophysical properties (such as structural, functional, and spatial information, amino acid conservation, physicochemical variation, residue mobility, and thermodynamic stability) has been performed for this missense variant. However, the output from this modeling did not meet the statistical confidence thresholds required to predict the impact of this variant on NPC1 protein function. In summary, the available evidence is currently insufficient to determine the role of this variant in disease. Therefore, it has been classified as a Variant of Uncertain Significance.

Natera, Inc.
Classification: Uncertain significance for Niemann-Pick disease type C1. Last evaluated: 2025-01-31. Review status: no assertion criteria provided. Collection method: clinical testing. Allele origin: germline. Not counted in ClinVar's aggregate classification.